The following is an entry in ClinVar:

NC_000014.8:g.(?_23242819)_(23282607_?)del

Gene: SLC7A7 (solute carrier family 7 member 7; minus strand). Cytogenetic location: 14q11.2.
Variant type: Deletion.
Identifiers: ClinVar variation 1397899 (VCV001397899.5).

ClinVar aggregate classification (germline): Pathogenic (1 of 4 stars; one submission).

Conditions:
Lysinuric protein intolerance (LPI). Identifiers: Orphanet 470, MedGen C0268647, MONDO:0009109, OMIM 222700.

Submission:

Labcorp Genetics (formerly Invitae), Labcorp
Classification: Pathogenic for Lysinuric protein intolerance. Last evaluated: 2022-06-03. Review status: criteria provided, single submitter. Criteria: Invitae Variant Classification Sherloc (09022015). Collection method: clinical testing. Allele origin: germline.
Comment: For these reasons, this variant has been classified as Pathogenic. This variant has not been reported in the literature in individuals affected with SLC7A7-related conditions. A gross deletion of the genomic region encompassing the full coding sequence of the SLC7A7 gene has been identified. Loss-of-function variants in SLC7A7 are known to be pathogenic (PMID: 10631139, 17764084). The boundaries of this event are unknown as they extend beyond the assayed region for this gene and therefore may encompass additional genes.

Literature cited by the submitters: PubMed 10631139; PubMed 17764084.